The following is an entry in ClinVar:

ClinVar aggregate classification (germline): Uncertain significance (1 of 4 stars; one submission).

Allele frequency attached by ClinVar (database versions not stated): ExAC 0.00001; gnomAD exomes 0.00001.

Submission:

Labcorp Genetics (formerly Invitae), Labcorp
Classification: Uncertain significance. Last evaluated: 2022-12-20. Review status: criteria provided, single submitter. Criteria: Invitae Variant Classification Sherloc (09022015). Collection method: clinical testing. Allele origin: germline.
Comment: This sequence change replaces tyrosine, which is neutral and polar, with histidine, which is basic and polar, at codon 14 of the C1S protein (p.Tyr14His). This variant is present in population databases (rs781871114, gnomAD no frequency). In summary, the available evidence is currently insufficient to determine the role of this variant in disease. Therefore, it has been classified as a Variant of Uncertain Significance. Algorithms developed to predict the effect of missense changes on protein structure and function (SIFT, PolyPhen-2, Align-GVGD) all suggest that this variant is likely to be tolerated. This variant has not been reported in the literature in individuals affected with C1S-related conditions.

NM_001734.5(C1S):c.40T>C (p.Tyr14His)

Gene: C1S (complement C1s; plus strand). Cytogenetic location: 12p13.31.
Variant type: single nucleotide variant.
Coding change: c.40T>C on transcript NM_001734.5 (MANE Select); coding-DNA position 40, T replaced by C.
Protein change: p.Tyr14His; replaces tyrosine 14 with histidine.
Molecular consequence: missense variant. On other transcripts: intron variant (1).
Genome position (GRCh38, 1-based): chr12:7,062,509, T>C. VCF-style: chr12-7062509-T-C. GRCh37 (hg19) VCF-style: chr12-7169813-T-C.
Other names: c.40T>C, p.Tyr14His (NM_201442.4); c.-288-381T>C (NM_001346850.2); short protein forms Y14H.
Identifiers: ClinVar variation 1975110 (VCV001975110.5), dbSNP rs781871114, ClinGen allele CA6423304.